The following is an entry in ClinVar:

ClinVar aggregate classification (germline): Pathogenic (1 of 4 stars; one submission).

Conditions:
Inborn genetic diseases. Identifiers: MedGen C0950123, MeSH D030342.

Submission:

Ambry Genetics
Classification: Pathogenic for Inborn genetic diseases. Last evaluated: 2025-01-15. Review status: criteria provided, single submitter. Criteria: Ambry Variant Classification Scheme 2023. Collection method: clinical testing. Allele origin: germline.
Comment: The c.1008dupA (p.P337Tfs*41) alteration, located in exon 5 (coding exon 2) of the ZMYM2 gene, consists of a duplication of A at position 1008, causing a translational frameshift with a predicted alternate stop codon after 41 amino acids. This alteration is expected to result in loss of function by premature protein truncation or nonsense-mediated mRNA decay. This variant was not reported in population-based cohorts in the Genome Aggregation Database (gnomAD). Based on the available evidence, this alteration is classified as pathogenic.

NM_197968.4(ZMYM2):c.1008dup (p.Pro337fs)

Gene: ZMYM2 (zinc finger MYM-type containing 2; plus strand). Cytogenetic location: 13q12.11.
Variant type: Duplication.
Coding change: c.1008dup on transcript NM_197968.4 (MANE Select); coding-DNA position 1008, one base duplicated (A; older notation c.1008dupA).
Protein change: p.Pro337fs; shifts the reading frame from proline 337.
Molecular consequence: frameshift variant. On other transcripts: non-coding transcript variant (1).
Genome position (GRCh38, 1-based): chr13:20,003,010, A duplicated; the last of 6 consecutive A bases (chr13:20,003,005-20,003,010); duplicating any one gives the same sequence. VCF-style (leftmost placement, unchanged base first): chr13-20003004-C-CA. GRCh37 (hg19) VCF-style: chr13-20577144-C-CA.
Other names: c.1008dup, p.Pro337fs (NM_001190964.4, NM_001190965.4, NM_001353157.2 and 5 more transcripts); c.813dup, p.Pro272fs (NM_001353161.3); c.747dup, p.Pro250fs (NM_001353163.2); short protein forms P250fs, P272fs, P337fs.
Identifiers: ClinVar variation 3819561 (VCV003819561.1).